The following is an entry in ClinVar:

ClinVar aggregate classification (germline): Uncertain significance (1 of 4 stars; one submission).

gnomAD v4.1: 7 of 1,613,730 alleles (0.00043%); highest among the groups gnomAD compares: Non-Finnish European, 0.00059%; no homozygotes.

Submission:

Labcorp Genetics (formerly Invitae), Labcorp
Classification: Uncertain significance. Last evaluated: 2024-11-15. Review status: criteria provided, single submitter. Criteria: Invitae Variant Classification Sherloc (09022015). Collection method: clinical testing. Allele origin: germline.
Comment: This sequence change replaces phenylalanine, which is neutral and non-polar, with leucine, which is neutral and non-polar, at codon 270 of the GNAT1 protein (p.Phe270Leu). This variant is not present in population databases (gnomAD no frequency). This variant has not been reported in the literature in individuals affected with GNAT1-related conditions. Invitae Evidence Modeling of protein sequence and biophysical properties (such as structural, functional, and spatial information, amino acid conservation, physicochemical variation, residue mobility, and thermodynamic stability) indicates that this missense variant is not expected to disrupt GNAT1 protein function with a negative predictive value of 80%. In summary, the available evidence is currently insufficient to determine the role of this variant in disease. Therefore, it has been classified as a Variant of Uncertain Significance.

NM_144499.3(GNAT1):c.810C>A (p.Phe270Leu)

Gene: GNAT1 (G protein subunit alpha transducin 1; plus strand). Cytogenetic location: 3p21.31.
Variant type: single nucleotide variant.
Coding change: c.810C>A on transcript NM_144499.3 (MANE Select); coding-DNA position 810, C replaced by A.
Protein change: p.Phe270Leu; replaces phenylalanine 270 with leucine.
Molecular consequence: missense variant.
Genome position (GRCh38, 1-based): chr3:50,194,602, C>A. VCF-style: chr3-50194602-C-A. GRCh37 (hg19) VCF-style: chr3-50232035-C-A.
Other names: c.810C>A, p.Phe270Leu (NM_000172.4); short protein forms F270L.
Identifiers: ClinVar variation 3688999 (VCV003688999.2).